The following is an entry in ClinVar:

NM_001371928.1(AHDC1):c.3308C>T (p.Ala1103Val)

Gene: AHDC1 (AT-hook DNA binding motif containing 1; minus strand). Cytogenetic location: 1p36.11.
Variant type: single nucleotide variant.
Coding change: c.3308C>T on transcript NM_001371928.1 (MANE Select); coding-DNA position 3308, C replaced by T.
Protein change: p.Ala1103Val; replaces alanine 1103 with valine.
Molecular consequence: missense variant.
Genome position (GRCh38, 1-based): chr1:27,548,808, G>A on the plus strand (C>T on the coding strand, the complement: AHDC1 is on the minus strand). VCF-style: chr1-27548808-G-A. GRCh37 (hg19) VCF-style: chr1-27875319-G-A.
Other names: c.3308C>T, p.Ala1103Val (NM_001029882.3); c.3308C>T (NM_001029882.2); short protein forms A1103V.
Identifiers: ClinVar variation 737244 (VCV000737244.33), dbSNP rs138355578, ClinGen allele CA715578.

ClinVar aggregate classification (germline): Benign/Likely benign. Review status: criteria provided, multiple submitters, no conflicts (2 of 4 stars). 3 submissions from 3 submitters: Benign (1); Likely benign (2). Last evaluated 2025-12-10.

Conditions:
Inborn genetic diseases. Identifiers: MedGen C0950123, MeSH D030342.

Allele frequency attached by ClinVar (database versions not stated): gnomAD 0.00005; gnomAD exomes 0.00006 and 0.00012; ExAC 0.00007; TOPMed 0.00009; ESP Exome Variant Server 0.00023.
gnomAD v4.1: 178 of 1,612,746 alleles (0.011%); highest among the groups gnomAD compares: Non-Finnish European, 0.013%; no homozygotes.

Submissions (3):

Labcorp Genetics (formerly Invitae), Labcorp
Classification: Benign. Last evaluated: 2025-12-10. Review status: criteria provided, single submitter. Criteria: Invitae Variant Classification Sherloc (09022015). Collection method: clinical testing. Allele origin: germline.

CeGaT Center for Human Genetics Tuebingen
Classification: Likely benign. Last evaluated: 2025-10-01. Review status: criteria provided, single submitter. Criteria: CeGaT Center For Human Genetics Tuebingen Variant Classification Criteria Version 2. Collection method: clinical testing. Allele origin: germline. Affected: yes. Observed: 2 variant alleles.
Comment: AHDC1: BP4, BS2

Ambry Genetics
Classification: Likely benign for Inborn genetic diseases. Last evaluated: 2024-11-14. Review status: criteria provided, single submitter. Criteria: Ambry Variant Classification Scheme 2023. Collection method: clinical testing. Allele origin: germline.